The following is an entry in ClinVar:

NM_020987.5(ANK3):c.6695G>A (p.Arg2232Gln)

Gene: ANK3 (ankyrin 3; minus strand). Cytogenetic location: 10q21.2.
Variant type: single nucleotide variant.
Coding change: c.6695G>A on transcript NM_020987.5 (MANE Select); coding-DNA position 6695, G replaced by A.
Protein change: p.Arg2232Gln; replaces arginine 2232 with glutamine.
Molecular consequence: missense variant. On other transcripts: intron variant (4).
Genome position (GRCh38, 1-based): chr10:60,074,186, C>T on the plus strand (G>A on the coding strand, the complement: ANK3 is on the minus strand). VCF-style: chr10-60074186-C-T. GRCh37 (hg19) VCF-style: chr10-61833944-C-T.
Other names: c.4388-6177G>A (NM_001204403.2); c.4409-6177G>A (NM_001204404.2); c.4406-6177G>A (NM_001320874.2); c.1808-6177G>A (NM_001149.4); short protein forms R2232Q.
Identifiers: ClinVar variation 377484 (VCV000377484.11), dbSNP rs770107349, ClinGen allele CA5511832.

ClinVar aggregate classification (germline): Conflicting classifications of pathogenicity. Review status: criteria provided, conflicting classifications (1 of 4 stars). 6 submissions from 6 submitters: Uncertain significance (5); Likely benign (1). Last evaluated 2025-11-22.

Conditions:
Inborn genetic diseases. Identifiers: MedGen C0950123, MeSH D030342.
Intellectual developmental disorder, autosomal recessive 37. Also called: Intellectual disability-hypotonia-spasticity-sleep disorder syndrome. Identifiers: Orphanet 356996, MedGen C3809672, MONDO:0014210, OMIM 615493.

Allele frequency attached by ClinVar (database versions not stated): TOPMed 0.00005; gnomAD exomes 0.00004; gnomAD 0.00003; ExAC 0.00004.
gnomAD v4.1: 62 of 1,614,046 alleles (0.0038%); highest among the groups gnomAD compares: Middle Eastern, 0.17%; no homozygotes.

Submissions (6):

Labcorp Genetics (formerly Invitae), Labcorp
Classification: Uncertain significance. Last evaluated: 2025-11-22. Review status: criteria provided, single submitter. Criteria: Invitae Variant Classification Sherloc (09022015). Collection method: clinical testing. Allele origin: germline.
Comment: This sequence change replaces arginine, which is basic and polar, with glutamine, which is neutral and polar, at codon 2232 of the ANK3 protein (p.Arg2232Gln). This variant is present in population databases (rs770107349, gnomAD 0.02%). This variant has not been reported in the literature in individuals affected with ANK3-related conditions. ClinVar contains an entry for this variant (Variation ID: 377484). Invitae Evidence Modeling of protein sequence and biophysical properties (such as structural, functional, and spatial information, amino acid conservation, physicochemical variation, residue mobility, and thermodynamic stability) indicates that this missense variant is not expected to disrupt ANK3 protein function with a negative predictive value of 80%. In summary, the available evidence is currently insufficient to determine the role of this variant in disease. Therefore, it has been classified as a Variant of Uncertain Significance.

3billion
Classification: Likely benign for Intellectual developmental disorder, autosomal recessive 37. Last evaluated: 2024-09-20. Review status: criteria provided, single submitter. Criteria: ACMG Guidelines, 2015. Collection method: clinical testing. Allele origin: germline. Affected: no.
Comment: The homozygous variant was found in patients diagnosed with another variant in a different gene, with no symptoms related to the gene containing the homozygous variant.

Ambry Genetics
Classification: Uncertain significance for Inborn genetic diseases. Last evaluated: 2021-09-01. Review status: criteria provided, single submitter. Criteria: Ambry Variant Classification Scheme 2023. Collection method: clinical testing. Allele origin: germline.

Fulgent Genetics
Classification: Uncertain significance for Intellectual developmental disorder, autosomal recessive 37. Last evaluated: 2018-10-31. Review status: criteria provided, single submitter. Criteria: ACMG Guidelines, 2015. Collection method: clinical testing. Allele origin: unknown.

Genetic Services Laboratory, University of Chicago
Classification: Uncertain significance. Last evaluated: 2015-11-06. Review status: criteria provided, single submitter. Criteria: ACMG Guidelines, 2015. Collection method: clinical testing. Allele origin: germline. Affected: no.

GeneDx
Classification: Uncertain significance. Last evaluated: 2015-06-25. Review status: criteria provided, single submitter. Criteria: GeneDx Variant Classification (06012015). Collection method: clinical testing. Allele origin: germline. Affected: yes.
Comment: The R2232Q variant in the ANK3 gene has not been published as a pathogenic variant, nor has it been reported as a benign polymorphism to our knowledge. The R2232Q variant was not observed in approximately 6500 individuals of European and African American ancestry in the NHLBI Exome Sequencing Project, indicating it is not a common benign variant in these populations. The R2232Q variant is a semi-conservative amino acid substitution, which may impact secondary protein structure as these residues differ in some properties. This substitution occurs at a position where amino acids with similar properties to Arginine are tolerated across mammalian species. In silico analysis is inconsistent in its predictions as to whether or not the variant is damaging to the protein structure/function. We interpret R2232Q as a variant of unknown significance.